The following is an entry in ClinVar:

ClinVar aggregate classification (germline): Likely benign. Review status: criteria provided, single submitter (1 of 4 stars). 2 submissions from 2 submitters: Likely benign (1). 1 of the submissions does not count toward it. Last evaluated 2023-11-01.

Conditions:
TET1-related disorder. Also called: TET1-related condition.

Allele frequency attached by ClinVar (database versions not stated): gnomAD 0.00091; ESP Exome Variant Server 0.00138; 1000 Genomes Project 0.00160; 1000 Genomes Project 30x 0.00187.
gnomAD v4.1: 2,774 of 1,608,178 alleles (0.17%); highest among the groups gnomAD compares: South Asian, 0.24%; 8 homozygotes.

Submissions (2):

CeGaT Center for Human Genetics Tuebingen
Classification: Likely benign. Last evaluated: 2023-11-01. Review status: criteria provided, single submitter. Criteria: CeGaT Center For Human Genetics Tuebingen Variant Classification Criteria Version 2. Collection method: clinical testing. Allele origin: germline. Affected: yes. Observed: 1 variant allele.
Comment: TET1: BP4

PreventionGenetics, part of Exact Sciences
Classification: Likely benign for TET1-related condition. Last evaluated: 2022-09-20. Review status: no assertion criteria provided. Collection method: clinical testing. Allele origin: germline. Not counted in ClinVar's aggregate classification.
Comment: This variant is classified as likely benign based on ACMG/AMP sequence variant interpretation guidelines (Richards et al. 2015 PMID: 25741868, with internal and published modifications).

NM_030625.3(TET1):c.5422G>A (p.Val1808Met)

Gene: TET1 (tet methylcytosine dioxygenase 1; plus strand). Cytogenetic location: 10q21.3.
Variant type: single nucleotide variant.
Coding change: c.5422G>A on transcript NM_030625.3 (MANE Select); coding-DNA position 5422, G replaced by A.
Protein change: p.Val1808Met; replaces valine 1808 with methionine.
Molecular consequence: missense variant.
Genome position (GRCh38, 1-based): chr10:68,690,825, G>A. VCF-style: chr10-68690825-G-A. GRCh37 (hg19) VCF-style: chr10-70450582-G-A.
Other names: c.5509G>A, p.Val1837Met (NM_001406365.1); c.3598G>A, p.Val1200Met (NM_001406367.1); c.3496G>A, p.Val1166Met (NM_001406368.1, NM_001406369.1, NM_001406370.1); c.3409G>A, p.Val1137Met (NM_001406371.1, NM_001406372.1); c.3016G>A, p.Val1006Met (NM_001406373.1); c.2929G>A, p.Val977Met (NM_001406374.1); c.1153G>A, p.Val385Met (NM_001406375.1); c.1066G>A, p.Val356Met (NM_001406376.1); and 1 more; short protein forms V1006M, V1137M, V1166M, V1200M, V1808M, V1837M, V356M, V385M.
Identifiers: ClinVar variation 2672398 (VCV002672398.24), dbSNP rs150708897, ClinGen allele CA5526871.